The following is an entry in ClinVar:

ClinVar aggregate classification (germline): Uncertain significance (1 of 4 stars; one submission).

Submission:

GeneDx
Classification: Uncertain significance. Last evaluated: 2024-09-19. Review status: criteria provided, single submitter. Criteria: GeneDx Variant Classification Process June 2021. Collection method: clinical testing. Allele origin: germline. Affected: yes.
Comment: Not observed at significant frequency in large population cohorts (gnomAD); In silico analysis supports a deleterious effect on splicing; Has not been previously published as pathogenic or benign to our knowledge

NM_001366521.1(ATP2B1):c.2248-3T>G

Gene: ATP2B1 (ATPase plasma membrane Ca2+ transporting 1; minus strand). Cytogenetic location: 12q21.33.
Variant type: single nucleotide variant.
Coding change: c.2248-3T>G on transcript NM_001366521.1 (MANE Select); 3 bases into the intron before coding-DNA position 2248, T replaced by G.
Molecular consequence: intron variant.
Genome position (GRCh38, 1-based): chr12:89,610,511, A>C on the plus strand (T>G on the coding strand, the complement: ATP2B1 is on the minus strand). VCF-style: chr12-89610511-A-C. GRCh37 (hg19) VCF-style: chr12-90004288-A-C.
Other names: c.2050-3T>G (NM_001413053.1, NM_001366530.1); c.1687-3T>G (NM_001413060.1, NM_001366531.1, NM_001413058.1 and 2 more transcripts); c.1993-3T>G (NM_001413056.1); c.2107-3T>G (NM_001413051.1, NM_001413055.1, NM_001413052.1); c.2209-3T>G (NM_001413048.1); c.2005-3T>G (NM_001413054.1); c.2248-3T>G (NM_001413050.1, NM_001366529.1, NM_001366528.1 and 12 more transcripts); c.1795-3T>G (NM_001413057.1).
Identifiers: ClinVar variation 3774207 (VCV003774207.1).